The following is an entry in ClinVar:

NM_001330360.2(POLA1):c.416A>T (p.Asn139Ile)

Gene: POLA1 (DNA polymerase alpha 1, catalytic subunit; plus strand). Cytogenetic location: Xp22.11.
Variant type: single nucleotide variant.
Coding change: c.416A>T on transcript NM_001330360.2 (MANE Select); coding-DNA position 416, A replaced by T.
Protein change: p.Asn139Ile; replaces asparagine 139 with isoleucine.
Molecular consequence: missense variant. On other transcripts: non-coding transcript variant (2).
Genome position (GRCh38, 1-based): chrX:24,714,623, A>T. VCF-style: chrX-24714623-A-T. GRCh37 (hg19) VCF-style: chrX-24732740-A-T.
Other names: c.416A>T, p.Asn139Ile (NM_001378303.1); c.398A>T, p.Asn133Ile (NM_016937.4); short protein forms N133I, N139I.
Identifiers: ClinVar variation 3390150 (VCV003390150.14).
Genomic context (GRCh38, chrX:24,714,623, plus strand): 5'-GTAAAGCACGCAATAAAGACAAGAGGAATGTAAAGAAGCTCGCAGTGACAAAACCGAACA[A>T]CATTAAGTCAATGTTCATTGCTTGTGCTGGAAAGAAAACTGCAGATGTGAGTTTCATGGT-3'
Protein context (NP_001317289.1, residues 129-149): VKKLAVTKPN[Asn139Ile]IKSMFIACAG

ClinVar aggregate classification (germline): Likely benign (1 of 4 stars; one submission).

gnomAD v4.1: 21 of 1,196,229 alleles (0.0018%); highest among the groups gnomAD compares: Admixed American, 0.0066%; no homozygotes.

Submission:

CeGaT Center for Human Genetics Tuebingen
Classification: Likely benign. Last evaluated: 2024-11-01. Review status: criteria provided, single submitter. Criteria: CeGaT Center For Human Genetics Tuebingen Variant Classification Criteria Version 2. Collection method: clinical testing. Allele origin: germline. Affected: yes. Observed: 1 variant allele.
Comment: POLA1: BP4, BS2